The following is an entry in ClinVar:

NM_001005242.3(PKP2):c.611G>A (p.Arg204His)

Gene: PKP2 (plakophilin 2; minus strand). Cytogenetic location: 12p11.21.
Variant type: single nucleotide variant.
Coding change: c.611G>A on transcript NM_001005242.3 (MANE Select); coding-DNA position 611, G replaced by A.
Protein change: p.Arg204His; replaces arginine 204 with histidine.
Molecular consequence: missense variant.
Genome position (GRCh38, 1-based): chr12:32,878,269, C>T on the plus strand (G>A on the coding strand, the complement: PKP2 is on the minus strand). VCF-style: chr12-32878269-C-T. GRCh37 (hg19) VCF-style: chr12-33031203-C-T.
Other names: c.611G>A, p.Arg204His (NM_004572.4); short protein forms R204H.
Identifiers: ClinVar variation 201961 (VCV000201961.31), dbSNP rs755215178, ClinGen allele CA012412.

ClinVar aggregate classification (germline): Conflicting classifications of pathogenicity. Review status: criteria provided, conflicting classifications (1 of 4 stars). 9 submissions from 9 submitters: Uncertain significance (4); Likely benign (3). 2 of the submissions do not count toward it. Last evaluated 2025-12-22.

Conditions:
Cardiomyopathy (CMYO). Also called: Cardiomyopathies. Identifiers: Orphanet 167848, MedGen C0878544, MONDO:0004994, HP:0001638. Inheritance: Various modes of inheritance.
Cardiovascular phenotype. Identifiers: MedGen CN230736.
Arrhythmogenic right ventricular dysplasia 9 (ARVD9). Also called: ARRHYTHMOGENIC RIGHT VENTRICULAR DYSPLASIA, FAMILIAL, 9; Arrhythmogenic Right Ventricular Dysplasia/Cardiomyopathy 9. Identifiers: MedGen C1836906, MONDO:0012180, OMIM 609040.

Allele frequency attached by ClinVar (database versions not stated): gnomAD 0.00003; TOPMed 0.00004; ExAC 0.00007; gnomAD exomes 0.00008.
gnomAD v4.1: 84 of 1,613,906 alleles (0.0052%); highest among the groups gnomAD compares: Middle Eastern, 0.016%; no homozygotes.

Submissions (9):

Labcorp Genetics (formerly Invitae), Labcorp
Classification: Uncertain significance for Arrhythmogenic right ventricular dysplasia 9. Last evaluated: 2025-12-22. Review status: criteria provided, single submitter. Criteria: Invitae Variant Classification Sherloc (09022015). Collection method: clinical testing. Allele origin: germline.
Comment: This sequence change replaces arginine, which is basic and polar, with histidine, which is basic and polar, at codon 204 of the PKP2 protein (p.Arg204His). This variant is present in population databases (rs755215178, gnomAD 0.02%). This variant has not been reported in the literature in individuals affected with PKP2-related conditions. ClinVar contains an entry for this variant (Variation ID: 201961). An algorithm developed to predict the effect of missense changes on protein structure and function outputs the following: PolyPhen-2: "Benign". The histidine amino acid residue is found in multiple mammalian species, which suggests that this missense change does not adversely affect protein function. In summary, the available evidence is currently insufficient to determine the role of this variant in disease. Therefore, it has been classified as a Variant of Uncertain Significance.

Color Diagnostics, LLC DBA Color Health
Classification: Likely benign for Cardiomyopathy. Last evaluated: 2024-09-04. Review status: criteria provided, single submitter. Criteria: ACMG Guidelines, 2015. Collection method: clinical testing. Allele origin: germline.

ARUP Laboratories, Molecular Genetics and Genomics, ARUP Laboratories
Classification: Uncertain significance for Arrhythmogenic right ventricular dysplasia 9. Last evaluated: 2024-07-30. Review status: criteria provided, single submitter. Criteria: ARUP Molecular Germline Variant Investigation Process 2024. Collection method: clinical testing. Allele origin: germline.
Comment: The PKP2 c.611G>A; p.Arg204His variant (rs755215178) is reported in the literature in an individual with sudden unexpected death, although it was not demonstrated to be disease-causing (Sanchez 2016). This variant is found in the general population with an overall allele frequency of 0.008% (19/251,406 alleles) in the Genome Aggregation Database (v2.1.1). Computational analyses are uncertain whether this variant is neutral or deleterious (REVEL: 0.185). Due to limited information, the clinical significance of this variant is uncertain at this time. References: Sanchez O et al. Natural and Undetermined Sudden Death: Value of Post-Mortem Genetic Investigation. PLoS One. 2016 Dec 8;11(12):e0167358. PMID: 27930701.

Women's Health and Genetics/Laboratory Corporation of America, LabCorp
Classification: Uncertain significance. Last evaluated: 2023-01-09. Review status: criteria provided, single submitter. Criteria: LabCorp Variant Classification Summary - May 2015. Collection method: clinical testing. Allele origin: germline.
Comment: Variant summary: PKP2 c.611G>A (p.Arg204His) results in a non-conservative amino acid change in the encoded protein sequence. Four of five in-silico tools predict a benign effect of the variant on protein function. The variant allele was found at a frequency of 7.6e-05 in 251406 control chromosomes. This frequency is not significantly higher than expected for a pathogenic variant in PKP2 causing Arrhythmogenic Right Ventricular Dysplasia/Cardiomyopathy (7.6e-05 vs 0.00065), allowing no conclusion about variant significance. c.611G>A has been reported in the literature in an individual with sudden death (Sanchez_2016) without strong evidence for causality. This report does not provide unequivocal conclusions about association of the variant with Arrhythmogenic Right Ventricular Dysplasia/Cardiomyopathy. To our knowledge, no experimental evidence demonstrating an impact on protein function has been reported. Five clinical diagnostic laboratories have submitted clinical-significance assessments for this variant to ClinVar after 2014 without evidence for independent evaluation, and classified as VUS (n=2) and Likely Benign (n=3). Based on the evidence outlined above, the variant was classified as uncertain significance.

Ambry Genetics
Classification: Likely benign for Cardiovascular phenotype. Last evaluated: 2019-10-23. Review status: criteria provided, single submitter. Criteria: Ambry Variant Classification Scheme 2023. Collection method: clinical testing. Allele origin: germline.

Illumina Laboratory Services, Illumina
Classification: Uncertain significance for Arrhythmogenic right ventricular dysplasia 9. Last evaluated: 2018-01-13. Review status: criteria provided, single submitter. Criteria: ICSL Variant Classification Criteria 13 December 2019. Collection method: clinical testing. Allele origin: germline.

Laboratory for Molecular Medicine, Mass General Brigham Personalized Medicine
Classification: Likely benign. Last evaluated: 2015-04-06. Review status: criteria provided, single submitter. Criteria: LMM Criteria. Collection method: clinical testing. Allele origin: germline. Observed: 1 variant allele.
Comment: p.Arg204His in exon 3 of PKP2: This variant is not expected to have clinical sig nificance due to a lack of conservation across species, including mammals. Of no te, >20 mammals have a histidine (His) at this position despite high nearby amin o acid conservation. In addition, computational prediction tools do not suggest a high likelihood of impact to the protein. It has also been identified in 3/115 70 Latino chromosomes by the Exome Aggregation Consortium (ExAC).

Clinical Genetics, Academic Medical Center
Classification: Likely benign. Review status: no assertion criteria provided. Collection method: clinical testing. Allele origin: germline. Affected: yes. Study: VKGL Data-share Consensus. Not counted in ClinVar's aggregate classification.

Joint Genome Diagnostic Labs from Nijmegen and Maastricht, Radboudumc and MUMC+
Classification: Likely benign. Review status: no assertion criteria provided. Collection method: clinical testing. Allele origin: germline. Affected: yes. Study: VKGL Data-share Consensus. Not counted in ClinVar's aggregate classification.

Literature cited by the submitters: PubMed 27930701 (cited by Women's Health and Genetics/Laboratory Corporation of America, LabCorp); PubMed 27697855 (cited by Women's Health and Genetics/Laboratory Corporation of America, LabCorp).